The following is an entry in ClinVar:

ClinVar aggregate classification (germline): Uncertain significance (1 of 4 stars; one submission).

Conditions:
Ehlers-Danlos syndrome, classic type, 2 (EDSCL2). Also called: Ehlers-Danlos syndrome, type 2; Ehlers-Danlos syndrome type 2 (formerly); Ehlers-Danlos Syndrome, Classic Type, COL5A2-Related. Identifiers: Orphanet 287, Orphanet 90318, MedGen C0268336, MONDO:0019568, OMIM 130010.

Submission:

MGZ Medical Genetics Center
Classification: Uncertain significance for Ehlers-Danlos syndrome, classic type, 2. Last evaluated: 2022-07-25. Review status: criteria provided, single submitter. Criteria: ACMG Guidelines, 2015. Collection method: clinical testing. Allele origin: germline. Affected: yes. Observed: 1 variant allele.
Comment: ACMG criteria applied: PM2_SUP

NM_000393.5(COL5A2):c.2499+6T>G

Gene: COL5A2 (collagen type V alpha 2 chain; minus strand). Cytogenetic location: 2q32.2.
Variant type: single nucleotide variant.
Coding change: c.2499+6T>G on transcript NM_000393.5 (MANE Select); 6 bases into the intron after coding-DNA position 2499, T replaced by G.
Molecular consequence: intron variant.
Genome position (GRCh38, 1-based): chr2:189,053,889, A>C on the plus strand (T>G on the coding strand, the complement: COL5A2 is on the minus strand). VCF-style: chr2-189053889-A-C. GRCh37 (hg19) VCF-style: chr2-189918615-A-C.
Identifiers: ClinVar variation 1709487 (VCV001709487.2), dbSNP rs2469265457, ClinGen allele CA2561200123.
Genomic context (GRCh38, chr2:189,053,889, plus strand): 5'-AACAAAATGATTAATTGTTTTATTGCTCAATCTCACACTAAAGAACACCAAAATACTGTC[A>C]CTTACAGGATTGCCCCGGGAGCCAGGAGGGCCAACTAAACCTCGAGGACCAGGTTCACCC-3'